The following is an entry in ClinVar:

ClinVar aggregate classification (germline): Uncertain significance (1 of 4 stars; one submission).

Conditions:
Dilated cardiomyopathy 1G (CMD1G). Identifiers: Orphanet 154, MedGen C1858763, MONDO:0011400, OMIM 604145.
Autosomal recessive limb-girdle muscular dystrophy type 2J (LGMDR10). Also called: Limb-girdle muscular dystrophy, type 2J; MUSCULAR DYSTROPHY, LIMB-GIRDLE, AUTOSOMAL RECESSIVE 10. Identifiers: Orphanet 140922, MedGen C1837342, MONDO:0012127, OMIM 608807.

Allele frequency attached by ClinVar (database versions not stated): TOPMed below 0.00001; gnomAD exomes 0.00001.
gnomAD v4.1: 3 of 1,613,960 alleles (0.00019%); highest among the groups gnomAD compares: Non-Finnish European, 0.00025%; no homozygotes.

Submission:

Labcorp Genetics (formerly Invitae), Labcorp
Classification: Uncertain significance for Dilated cardiomyopathy 1G; Autosomal recessive limb-girdle muscular dystrophy type 2J. Last evaluated: 2023-05-16. Review status: criteria provided, single submitter. Criteria: Invitae Variant Classification Sherloc (09022015). Collection method: clinical testing. Allele origin: germline.
Comment: In summary, the available evidence is currently insufficient to determine the role of this variant in disease. Therefore, it has been classified as a Variant of Uncertain Significance. This variant is located in the M band of TTN (PMID: 25589632). Variants in this region may be relevant for neuromuscular disorders, but have not been definitively shown to cause cardiomyopathy (PMID: 23975875). Algorithms developed to predict the effect of missense changes on protein structure and function output the following: SIFT: "Not Available"; PolyPhen-2: "Not Available"; Align-GVGD: "Not Available". The valine amino acid residue is found in multiple mammalian species, which suggests that this missense change does not adversely affect protein function. ClinVar contains an entry for this variant (Variation ID: 2186550). This variant has not been reported in the literature in individuals affected with TTN-related conditions. This variant is not present in population databases (gnomAD no frequency). This sequence change replaces isoleucine, which is neutral and non-polar, with valine, which is neutral and non-polar, at codon 33781 of the TTN protein (p.Ile33781Val).

Literature cited by the submitters: PubMed 25589632; PubMed 23975875.

NM_001267550.2(TTN):c.101341A>G (p.Ile33781Val)

Genes: TTN (titin; minus strand), TTN-AS1 (TTN antisense RNA 1; plus strand). Cytogenetic location: 2q31.2.
Variant type: single nucleotide variant.
Coding change: c.101341A>G on transcript NM_001267550.2 (MANE Select); coding-DNA position 101341, A replaced by G.
Protein change: p.Ile33781Val; replaces isoleucine 33781 with valine.
Molecular consequence: missense variant.
Genome position (GRCh38, 1-based): chr2:178,535,274, T>C on the plus strand (A>G on the coding strand, the complement: TTN is on the minus strand). VCF-style: chr2-178535274-T-C. GRCh37 (hg19) VCF-style: chr2-179400001-T-C.
Other names: c.96418A>G, p.Ile32140Val (NM_001256850.1); c.74146A>G, p.Ile24716Val (NM_003319.4); c.93637A>G, p.Ile31213Val (NM_133378.4); c.74521A>G, p.Ile24841Val (NM_133432.3); c.74722A>G, p.Ile24908Val (NM_133437.4); short protein forms I31213V, I33781V, I24716V, I24908V, I24841V, I32140V.
Identifiers: ClinVar variation 2186550 (VCV002186550.4), dbSNP rs1029128193, ClinGen allele CA60959987.
Genomic context (GRCh38, chr2:178,535,274, plus strand): 5'-CCCTGGTTTCATCTACCTCTTCATCATAGTTCATAGCTCTGGTCTTATCTTCTTTGGTTA[T>C]GGTTGGTTCTGAAGGCTCTGAAGGCTTGCTCAGACCAAATTTATTTTCAGCTATTACCCG-3'
Protein context (NP_001254479.2, residues 33771-33791): SKPSEPSEPT[Ile33781Val]TKEDKTRAMN